The following is an entry in ClinVar:

NM_000051.4(ATM):c.2931_2932dup (p.Ser978fs)

Gene: ATM (ATM serine/threonine kinase; plus strand). Cytogenetic location: 11q22.3.
Variant type: Duplication.
Coding change: c.2931_2932dup on transcript NM_000051.4 (MANE Select); coding-DNA positions 2931 to 2932, 2 bases duplicated (TT; older notation c.2931_2932dupTT).
Protein change: p.Ser978fs; shifts the reading frame from serine 978.
Molecular consequence: frameshift variant.
Genome position (GRCh38, 1-based): chr11:108,271,260-108,271,261, TT duplicated. VCF-style (leftmost placement, unchanged base first): chr11-108271259-G-GTT. GRCh37 (hg19) VCF-style: chr11-108141986-G-GTT.
Other names: c.2931_2932dup, p.Ser978fs (NM_001351834.2); c.2931_2932dupTT (NM_000051.3); short protein forms S978fs.
Identifiers: ClinVar variation 4169002 (VCV004169002.1).

ClinVar aggregate classification (germline): Pathogenic (1 of 4 stars; one submission).

Conditions:
Hereditary cancer-predisposing syndrome. Also called: Neoplastic Syndromes, Hereditary; Tumor predisposition; Hereditary Cancer Syndrome; Hereditary neoplastic syndrome. Identifiers: Orphanet 140162, MedGen C0027672, MeSH D009386, MONDO:0015356.

Submission:

Ambry Genetics
Classification: Pathogenic for Hereditary cancer-predisposing syndrome. Last evaluated: 2025-07-15. Review status: criteria provided, single submitter. Criteria: Ambry Variant Classification Scheme 2023. Collection method: clinical testing. Allele origin: germline.
Comment: The c.2931_2932dupTT pathogenic mutation, located in coding exon 19 of the ATM gene, results from a duplication of TT at nucleotide position 2931, causing a translational frameshift with a predicted alternate stop codon (p.S978Ffs*15). This variant is considered to be rare based on population cohorts in the Genome Aggregation Database (gnomAD). This alteration is expected to result in loss of function by premature protein truncation or nonsense-mediated mRNA decay. As such, this alteration is interpreted as a disease-causing mutation.